The following is an entry in ClinVar:

ClinVar aggregate classification (germline): Uncertain significance (1 of 4 stars; one submission).

Submission:

Labcorp Genetics (formerly Invitae), Labcorp
Classification: Uncertain significance. Last evaluated: 2024-06-26. Review status: criteria provided, single submitter. Criteria: Invitae Variant Classification Sherloc (09022015). Collection method: clinical testing. Allele origin: germline.
Comment: This sequence change replaces serine, which is neutral and polar, with cysteine, which is neutral and slightly polar, at codon 1419 of the NBAS protein (p.Ser1419Cys). This variant is not present in population databases (gnomAD no frequency). This variant has not been reported in the literature in individuals affected with NBAS-related conditions. Advanced modeling of protein sequence and biophysical properties (such as structural, functional, and spatial information, amino acid conservation, physicochemical variation, residue mobility, and thermodynamic stability) performed at Invitae indicates that this missense variant is not expected to disrupt NBAS protein function with a negative predictive value of 95%. In summary, the available evidence is currently insufficient to determine the role of this variant in disease. Therefore, it has been classified as a Variant of Uncertain Significance.

NM_015909.4(NBAS):c.4256C>G (p.Ser1419Cys)

Gene: NBAS (NBAS subunit of NRZ tethering complex; minus strand). Cytogenetic location: 2p24.3.
Variant type: single nucleotide variant.
Coding change: c.4256C>G on transcript NM_015909.4 (MANE Select); coding-DNA position 4256, C replaced by G.
Protein change: p.Ser1419Cys; replaces serine 1419 with cysteine.
Molecular consequence: missense variant. On other transcripts: non-coding transcript variant (1).
Genome position (GRCh38, 1-based): chr2:15,330,689, G>C on the plus strand (C>G on the coding strand, the complement: NBAS is on the minus strand). VCF-style: chr2-15330689-G-C. GRCh37 (hg19) VCF-style: chr2-15470813-G-C.
Other names: short protein forms S1419C.
Identifiers: ClinVar variation 3657172 (VCV003657172.2).